The following is an entry in ClinVar:

NM_002474.3(MYH11):c.5492A>C (p.Glu1831Ala)

Genes: MYH11 (myosin heavy chain 11; minus strand), NDE1 (nudE neurodevelopment protein 1; plus strand). Cytogenetic location: 16p13.11.
Variant type: single nucleotide variant.
Coding change: c.5492A>C on transcript NM_002474.3 (MANE Select); coding-DNA position 5492, A replaced by C.
Protein change: p.Glu1831Ala; replaces glutamic acid 1831 with alanine.
Molecular consequence: missense variant. On other transcripts: intron variant (2).
Genome position (GRCh38, 1-based): chr16:15,717,152, T>G on the plus strand (A>C on the coding strand, the complement: MYH11 is on the minus strand). VCF-style: chr16-15717152-T-G. GRCh37 (hg19) VCF-style: chr16-15811009-T-G.
Other names: c.948-7039T>G (NM_017668.3, NM_001143979.2); c.5513A>C, p.Glu1838Ala (NM_001040113.2, NM_001040114.2); c.5492A>C, p.Glu1831Ala (NM_022844.3); short protein forms E1838A, E1831A.
Identifiers: ClinVar variation 5025088 (VCV005025088.1).

ClinVar aggregate classification (germline): Uncertain significance (1 of 4 stars; one submission).

Conditions:
Familial thoracic aortic aneurysm and aortic dissection (TAAD). Also called: Thoracic aortic aneurysms and dissections. Identifiers: Orphanet 91387, MedGen C4707243, MONDO:0019625.

Submission:

Ambry Genetics
Classification: Uncertain significance for Familial thoracic aortic aneurysm and aortic dissection. Last evaluated: 2026-07-07. Review status: criteria provided, single submitter. Criteria: Ambry Variant Classification Scheme 2023. Collection method: clinical testing. Allele origin: germline.
Comment: The p.E1831A variant (also known as c.5492A>C), located in coding exon 37 of the MYH11 gene, results from an A to C substitution at nucleotide position 5492. The glutamic acid at codon 1831 is replaced by alanine, an amino acid with dissimilar properties. This amino acid position is conserved. In addition, the in silico prediction for this alteration is inconclusive. Based on the available evidence, the clinical significance of this variant remains unclear.